The following is an entry in ClinVar:

ClinVar aggregate classification (germline): Uncertain significance. Review status: criteria provided, multiple submitters, no conflicts (2 of 4 stars). 2 submissions from 2 submitters: Uncertain significance (2). Last evaluated 2026-09-11.

Conditions:
Arrhythmogenic cardiomyopathy with wooly hair and keratoderma. Also called: PALMOPLANTAR KERATODERMA WITH LEFT VENTRICULAR CARDIOMYOPATHY AND WOOLLY HAIR; Dilated cardiomyopathy with woolly hair and keratoderma; Carvajal syndrome; Arrhythmogenic cardiomyopathy with woolly hair and keratoderma. Identifiers: Orphanet 65282, MedGen C1854063, MONDO:0011581, OMIM 605676.
Arrhythmogenic right ventricular dysplasia 8 (ARVD8). Also called: Arrhythmogenic Right Ventricular Dysplasia/Cardiomyopathy 8; ARRHYTHMOGENIC RIGHT VENTRICULAR DYSPLASIA, FAMILIAL, 8; ARRHYTHMOGENIC RIGHT VENTRICULAR CARDIOMYOPATHY 8. Identifiers: MedGen C1843896, MONDO:0011831, OMIM 607450.
Cardiovascular phenotype. Identifiers: MedGen CN230736.

gnomAD v4.1: 1 of 1,614,096 alleles (0.000062%); highest among the groups gnomAD compares: Non-Finnish European, 0.000085%; no homozygotes.

Submissions (2):

Ambry Genetics
Classification: Uncertain significance for Cardiovascular phenotype. Last evaluated: 2026-09-11. Review status: criteria provided, single submitter. Criteria: Ambry Variant Classification Scheme 2023. Collection method: clinical testing. Allele origin: germline.
Comment: The p.T842I variant (also known as c.2525C>T), located in coding exon 18 of the DSP gene, results from a C to T substitution at nucleotide position 2525. The threonine at codon 842 is replaced by isoleucine, an amino acid with similar properties. This amino acid position is conserved. In addition, this alteration is predicted to be tolerated by in silico analysis. Based on the available evidence, the clinical significance of this variant remains unclear.

Labcorp Genetics (formerly Invitae), Labcorp
Classification: Uncertain significance for Arrhythmogenic cardiomyopathy with wooly hair and keratoderma; Arrhythmogenic right ventricular dysplasia 8. Last evaluated: 2025-08-29. Review status: criteria provided, single submitter. Criteria: Invitae Variant Classification Sherloc (09022015). Collection method: clinical testing. Allele origin: germline.
Comment: This sequence change replaces threonine, which is neutral and polar, with isoleucine, which is neutral and non-polar, at codon 842 of the DSP protein (p.Thr842Ile). This variant is not present in population databases (gnomAD no frequency). This variant has not been reported in the literature in individuals affected with DSP-related conditions. An algorithm developed to predict the effect of missense changes on protein structure and function (PolyPhen-2) suggests that this variant is likely to be tolerated. In summary, the available evidence is currently insufficient to determine the role of this variant in disease. Therefore, it has been classified as a Variant of Uncertain Significance.

NM_004415.4(DSP):c.2525C>T (p.Thr842Ile)

Gene: DSP (desmoplakin; plus strand). Cytogenetic location: 6p24.3.
Variant type: single nucleotide variant.
Coding change: c.2525C>T on transcript NM_004415.4 (MANE Select); coding-DNA position 2525, C replaced by T.
Protein change: p.Thr842Ile; replaces threonine 842 with isoleucine.
Molecular consequence: missense variant.
Genome position (GRCh38, 1-based): chr6:7,575,383, C>T. VCF-style: chr6-7575383-C-T. GRCh37 (hg19) VCF-style: chr6-7575616-C-T.
Other names: c.2525C>T, p.Thr842Ile (NM_001008844.3, NM_001319034.2); short protein forms T842I.
Identifiers: ClinVar variation 4795046 (VCV004795046.3).